The following is an entry in ClinVar:

ClinVar aggregate classification (germline): Uncertain significance (1 of 4 stars; one submission).

Conditions:
Familial cold autoinflammatory syndrome 3 (FCAS3). Also called: FAMILIAL ATYPICAL COLD URTICARIA; ANTIBODY DEFICIENCY AND IMMUNE DYSREGULATION, PLCG2-ASSOCIATED. Identifiers: Orphanet 300359, MedGen C3280914, MONDO:0013766, OMIM 614468.

Submission:

Labcorp Genetics (formerly Invitae), Labcorp
Classification: Uncertain significance for Familial cold autoinflammatory syndrome 3. Last evaluated: 2021-07-17. Review status: criteria provided, single submitter. Criteria: Invitae Variant Classification Sherloc (09022015). Collection method: clinical testing. Allele origin: germline.
Comment: In summary, the available evidence is currently insufficient to determine the role of this variant in disease. Therefore, it has been classified as a Variant of Uncertain Significance. Algorithms developed to predict the effect of sequence changes on RNA splicing suggest that this variant may disrupt the consensus splice site. This variant has not been reported in the literature in individuals affected with PLCG2-related conditions. This variant is not present in population databases (ExAC no frequency). This sequence change falls in intron 25 of the PLCG2 gene. It does not directly change the encoded amino acid sequence of the PLCG2 protein.

NM_002661.5(PLCG2):c.2740-10C>G

Gene: PLCG2 (phospholipase C gamma 2; plus strand). Cytogenetic location: 16q23.3.
Variant type: single nucleotide variant.
Coding change: c.2740-10C>G on transcript NM_002661.5 (MANE Select); 10 bases into the intron before coding-DNA position 2740, C replaced by G.
Molecular consequence: intron variant.
Genome position (GRCh38, 1-based): chr16:81,934,419, C>G. VCF-style: chr16-81934419-C-G. GRCh37 (hg19) VCF-style: chr16-81968024-C-G.
Identifiers: ClinVar variation 1487772 (VCV001487772.8), dbSNP rs762291149, ClinGen allele CA2573152867.